The following is an entry in ClinVar:

ClinVar aggregate classification (germline): Uncertain significance (1 of 4 stars; one submission).

gnomAD v4.1: 1 of 1,603,346 alleles (0.000062%); highest among the groups gnomAD compares: Admixed American, 0.0017%; no homozygotes.

Submission:

Labcorp Genetics (formerly Invitae), Labcorp
Classification: Uncertain significance. Last evaluated: 2023-11-27. Review status: criteria provided, single submitter. Criteria: Invitae Variant Classification Sherloc (09022015). Collection method: clinical testing. Allele origin: germline.
Comment: This sequence change falls in intron 21 of the LAMC3 gene. It does not directly change the encoded amino acid sequence of the LAMC3 protein. It affects a nucleotide within the consensus splice site. This variant is not present in population databases (gnomAD no frequency). This variant has not been reported in the literature in individuals affected with LAMC3-related conditions. ClinVar contains an entry for this variant (Variation ID: 1908036). Variants that disrupt the consensus splice site are a relatively common cause of aberrant splicing (PMID: 17576681, 9536098). Algorithms developed to predict the effect of sequence changes on RNA splicing suggest that this variant may disrupt the consensus splice site. In summary, the available evidence is currently insufficient to determine the role of this variant in disease. Therefore, it has been classified as a Variant of Uncertain Significance.

Literature cited by the submitters: PubMed 17576681; PubMed 9536098.

NM_006059.4(LAMC3):c.3629+5G>C

Gene: LAMC3 (laminin subunit gamma 3; plus strand). Cytogenetic location: 9q34.12.
Variant type: single nucleotide variant.
Coding change: c.3629+5G>C on transcript NM_006059.4 (MANE Select); 5 bases into the intron after coding-DNA position 3629, G replaced by C.
Molecular consequence: intron variant.
Genome position (GRCh38, 1-based): chr9:131,075,970, G>C. VCF-style: chr9-131075970-G-C. GRCh37 (hg19) VCF-style: chr9-133951357-G-C.
Identifiers: ClinVar variation 1908036 (VCV001908036.5), dbSNP rs753188212, ClinGen allele CA860519618.